The following is an entry in ClinVar:

ClinVar aggregate classification (germline): Uncertain significance. Review status: criteria provided, multiple submitters, no conflicts (2 of 4 stars). 2 submissions from 2 submitters: Uncertain significance (2). Last evaluated 2022-10-14.

Conditions:
Aldosterone-producing adenoma with seizures and neurological abnormalities. Also called: Primary aldosteronism, seizures, and neurologic abnormalities. Identifiers: Orphanet 369929, MedGen C3809609, MONDO:0014200, OMIM 615474.

Submissions (2):

Blueprint Genetics
Classification: Uncertain significance. Last evaluated: 2022-10-14. Review status: criteria provided, single submitter. Criteria: ACMG Guidelines, 2015. Collection method: clinical testing. Allele origin: germline.

Victorian Clinical Genetics Services, Murdoch Childrens Research Institute
Classification: Uncertain significance for Aldosterone-producing adenoma with seizures and neurological abnormalities. Last evaluated: 2021-05-06. Review status: criteria provided, single submitter. Criteria: ACMG Guidelines, 2015. Collection method: clinical testing. Allele origin: germline. Inheritance: Autosomal dominant inheritance. Affected: yes.
Comment: Based on the classification scheme VCGS_Germline_v1.3.4, this variant is classified as VUS-3B. Following criteria are met: 0103 - Loss of function and gain of function are known mechanisms of disease in this gene. Gain of function is associated with primary aldosteronism, seizures, and neurologic abnormalities (MIM#615474), and loss of function is associated with sinoatrial node dysfunction and deafness (MIM#614896) (PMID: 26842699, 30054272). (I) 0108 - This gene is associated with both recessive and dominant disease (OMIM). (I) 0200 - Variant is predicted to result in a missense amino acid change from alanine to valine. (I) 0251 - This variant is heterozygous. (I) 0301 - Variant is absent from gnomAD (both v2 and v3). (SP) 0502 - Missense variant with conflicting in silico predictions and uninformative conservation. (I) 0600 - Variant is located in the annotated Voltage gated calcium channel IQ domain (NCBI). (I) 0705 - No comparable missense variants have previous evidence for pathogenicity. (I) 0807 - This variant has no previous evidence of pathogenicity. (I) 0905 - No published segregation evidence has been identified for this variant. (I) 1007 - No published functional evidence has been identified for this variant. (I) 1208 - Inheritance information for this variant is not currently available in this individual. (I) Legend: (SP) - Supporting pathogenic, (I) - Information, (SB) - Supporting benign

Literature cited by the submitters: PubMed 26842699 (cited by Victorian Clinical Genetics Services, Murdoch Childrens Research Institute); PubMed 30054272 (cited by Victorian Clinical Genetics Services, Murdoch Childrens Research Institute).

NM_001128840.3(CACNA1D):c.4724C>T (p.Ala1575Val)

Gene: CACNA1D (calcium voltage-gated channel subunit alpha1 D; plus strand). Cytogenetic location: 3p21.1.
Variant type: single nucleotide variant.
Coding change: c.4724C>T on transcript NM_001128840.3 (MANE Select); coding-DNA position 4724, C replaced by T.
Protein change: p.Ala1575Val; replaces alanine 1575 with valine.
Molecular consequence: missense variant.
Genome position (GRCh38, 1-based): chr3:53,781,599, C>T. VCF-style: chr3-53781599-C-T. GRCh37 (hg19) VCF-style: chr3-53815626-C-T.
Other names: c.4784C>T, p.Ala1595Val (NM_000720.4); c.4679C>T, p.Ala1560Val (NM_001128839.3); short protein forms A1560V, A1575V, A1595V.
Identifiers: ClinVar variation 3377058 (VCV003377058.2).